The following is an entry in ClinVar:

NM_006648.4(WNK2):c.845C>T (p.Thr282Met)

Gene: WNK2 (WNK lysine deficient protein kinase 2; plus strand). Cytogenetic location: 9q22.31.
Variant type: single nucleotide variant.
Coding change: c.845C>T on transcript NM_006648.4 (MANE Select); coding-DNA position 845, C replaced by T.
Protein change: p.Thr282Met; replaces threonine 282 with methionine.
Molecular consequence: missense variant.
Genome position (GRCh38, 1-based): chr9:93,229,859, C>T. VCF-style: chr9-93229859-C-T. GRCh37 (hg19) VCF-style: chr9-95992141-C-T.
Other names: c.845C>T, p.Thr282Met (NM_001282394.3); short protein forms T282M.
Identifiers: ClinVar variation 4201590 (VCV004201590.1).

ClinVar aggregate classification (germline): Uncertain significance (1 of 4 stars; one submission).

Submission:

Ambry Genetics
Classification: Uncertain significance. Last evaluated: 2025-07-04. Review status: criteria provided, single submitter. Criteria: Ambry Variant Classification Scheme 2023. Collection method: clinical testing. Allele origin: germline.
Comment: The p.T282M variant (also known as c.845C>T), located in coding exon 2 of the WNK2 gene, results from a C to T substitution at nucleotide position 845. The threonine at codon 282 is replaced by methionine, an amino acid with similar properties. This amino acid position is conserved. In addition, the in silico prediction for this alteration is inconclusive. Based on the available evidence, the clinical significance of this variant remains unclear.